The following is an entry in ClinVar:

ClinVar aggregate classification (germline): Uncertain significance. Review status: criteria provided, multiple submitters, no conflicts (2 of 4 stars). 2 submissions from 2 submitters: Uncertain significance (2). Last evaluated 2023-02-18.

Conditions:
Hereditary cancer-predisposing syndrome. Also called: Neoplastic Syndromes, Hereditary; Tumor predisposition; Hereditary Cancer Syndrome; Hereditary neoplastic syndrome. Identifiers: Orphanet 140162, MedGen C0027672, MeSH D009386, MONDO:0015356.

Submissions (2):

Labcorp Genetics (formerly Invitae), Labcorp
Classification: Uncertain significance for Hereditary cancer-predisposing syndrome. Last evaluated: 2023-02-18. Review status: criteria provided, single submitter. Criteria: Invitae Variant Classification Sherloc (09022015). Collection method: clinical testing. Allele origin: germline.
Comment: This variant is not present in population databases (gnomAD no frequency). This variant has not been reported in the literature in individuals affected with RAD50-related conditions. This sequence change replaces glutamine, which is neutral and polar, with histidine, which is basic and polar, at codon 159 of the RAD50 protein (p.Gln159His). In summary, the available evidence is currently insufficient to determine the role of this variant in disease. Therefore, it has been classified as a Variant of Uncertain Significance. Experimental studies have shown that this missense change affects RAD50 function (PMID: 14698290). Advanced modeling of protein sequence and biophysical properties (such as structural, functional, and spatial information, amino acid conservation, physicochemical variation, residue mobility, and thermodynamic stability) performed at Invitae indicates that this missense variant is expected to disrupt RAD50 protein function. ClinVar contains an entry for this variant (Variation ID: 233240).

Ambry Genetics
Classification: Uncertain significance for Hereditary cancer-predisposing syndrome. Last evaluated: 2022-05-03. Review status: criteria provided, single submitter. Criteria: Ambry Variant Classification Scheme 2023. Collection method: clinical testing. Allele origin: germline.
Comment: The p.Q159H variant (also known as c.477A>T), located in coding exon 4 of the RAD50 gene, results from an A to T substitution at nucleotide position 477. The glutamine at codon 159 is replaced by histidine, an amino acid with highly similar properties. Functional studies have demonstrated that this variant disrupts the ATP-dependent activities of the Mre11/Rad50/Nbs1 complex (Moncalian G et al. J. Mol. Biol., 2004 Jan;335:937-51). This amino acid position is highly conserved in available vertebrate species. In addition, this alteration is predicted to be deleterious by in silico analysis. Since supporting evidence is limited at this time, the clinical significance of p.Q159H remains unclear.

Literature cited by the submitters: PubMed 14698290 (cited by Labcorp Genetics (formerly Invitae), Labcorp and Ambry Genetics).

NM_005732.4(RAD50):c.477A>T (p.Gln159His)

Gene: RAD50 (RAD50 double strand break repair protein; plus strand). Cytogenetic location: 5q31.1.
Variant type: single nucleotide variant.
Coding change: c.477A>T on transcript NM_005732.4 (MANE Select); coding-DNA position 477, A replaced by T.
Protein change: p.Gln159His; replaces glutamine 159 with histidine.
Molecular consequence: missense variant.
Genome position (GRCh38, 1-based): chr5:132,579,428, A>T. VCF-style: chr5-132579428-A-T. GRCh37 (hg19) VCF-style: chr5-131915120-A-T.
Other names: short protein forms Q159H.
Identifiers: ClinVar variation 233240 (VCV000233240.13), dbSNP rs876660281, ClinGen allele CA10578488.